The following is an entry in ClinVar:

ClinVar aggregate classification (germline): Uncertain significance. Review status: criteria provided, multiple submitters, no conflicts (2 of 4 stars). 2 submissions from 2 submitters: Uncertain significance (2). Last evaluated 2025-04-22.

Conditions:
Inborn genetic diseases. Identifiers: MedGen C0950123, MeSH D030342.
Deafness-lymphedema-leukemia syndrome. Also called: Emberger syndrome; Lymphedema, primary, with myelodysplasia. Identifiers: Orphanet 3226, MedGen C3279664, MONDO:0013540, OMIM 614038.
Monocytopenia with susceptibility to infections. Also called: IMMUNODEFICIENCY 21; GATA2 DEFICIENCY; MONOCYTOPENIA AND MYCOBACTERIAL INFECTION SYNDROME; MONOCYTOPENIA WITH SUSCEPTIBILITY TO MYCOBACTERIAL, FUNGAL, AND PAPILLOMAVIRUS INFECTIONS AND MYELODYSPLASIA; COMBINED IMMUNODEFICIENCY WITH SUSCEPTIBILITY TO MYCOBACTERIAL, VIRAL, AND FUNGAL INFECTIONS; Dendritic cell, monocyte, B lymphocyte, and natural killer lymphocyte deficiency. Identifiers: Orphanet 228423, MedGen C3280030, MONDO:0013607, OMIM 614172.

Submissions (2):

Ambry Genetics
Classification: Uncertain significance for Inborn genetic diseases. Last evaluated: 2025-04-22. Review status: criteria provided, single submitter. Criteria: Ambry Variant Classification Scheme 2023. Collection method: clinical testing. Allele origin: germline.
Comment: The c.615_629dup15 variant (also known as p.E206_G210dup), located in coding exon 2 of the GATA2 gene, results from an in-frame duplication of 15 nucleotides at nucleotide positions 615 to 629. This results in the duplication of 5 extra residues (EDKDG) between codons 206 and 210. This amino acid region is well conserved in available vertebrate species. In addition, the in silico prediction for this alteration is inconclusive (Choi Y et al. PLoS ONE. 2012; 7(10):e46688). Based on the available evidence, the clinical significance of this variant remains unclear.

Labcorp Genetics (formerly Invitae), Labcorp
Classification: Uncertain significance for Monocytopenia with susceptibility to infections; Deafness-lymphedema-leukemia syndrome. Last evaluated: 2022-11-23. Review status: criteria provided, single submitter. Criteria: Invitae Variant Classification Sherloc (09022015). Collection method: clinical testing. Allele origin: germline.
Comment: Experimental studies and prediction algorithms are not available or were not evaluated, and the functional significance of this variant is currently unknown. This variant, c.615_629dup, results in the insertion of 5 amino acid(s) of the GATA2 protein (p.Glu206_Gly210dup), but otherwise preserves the integrity of the reading frame. This variant is not present in population databases (gnomAD no frequency). This variant has not been reported in the literature in individuals affected with GATA2-related conditions. In summary, the available evidence is currently insufficient to determine the role of this variant in disease. Therefore, it has been classified as a Variant of Uncertain Significance.

NM_032638.5(GATA2):c.615_629dup (p.Gly210_Val211insGluAspLysAspGly)

Gene: GATA2 (GATA binding protein 2; minus strand). Cytogenetic location: 3q21.3.
Variant type: Duplication.
Coding change: c.615_629dup on transcript NM_032638.5 (MANE Select); coding-DNA positions 615 to 629, 15 bases duplicated (AGAGGACAAGGACGG).
Protein change: p.Gly210_Val211insGluAspLysAspGly.
Molecular consequence: inframe insertion.
Genome position (GRCh38, 1-based): chr3:128,485,969-128,485,983, CCGTCCTTGTCCTCT duplicated on the plus strand (AGAGGACAAGGACGG on the coding strand, the reverse complement: GATA2 is on the minus strand); duplicating any 15 consecutive bases within chr3:128,485,969-128,485,985 gives the same sequence; the c. name uses the placement nearest the transcript's 3' end. VCF-style (leftmost placement, unchanged base first): chr3-128485968-G-GCCGTCCTTGTCCTCT. GRCh37 (hg19) VCF-style: chr3-128204811-G-GCCGTCCTTGTCCTCT.
Other names: c.615_629dup, p.Gly210_Val211insGluAspLysAspGly (NM_001145661.2, NM_001145662.1); c.615_629dupAGAGGACAAGGACGG (NM_032638.4).
Identifiers: ClinVar variation 2948900 (VCV002948900.4), dbSNP rs2472930580, ClinGen allele CA2740090992.